The following is an entry in ClinVar:

ClinVar aggregate classification (germline): Uncertain significance (1 of 4 stars; one submission).

Allele frequency attached by ClinVar (database versions not stated): gnomAD exomes below 0.00001.
gnomAD v4.1: 2 of 1,614,188 alleles (0.00012%); highest among the groups gnomAD compares: Middle Eastern, 0.016%; no homozygotes.

Submission:

Ambry Genetics
Classification: Uncertain significance. Last evaluated: 2022-05-02. Review status: criteria provided, single submitter. Criteria: Ambry Variant Classification Scheme 2023. Collection method: clinical testing. Allele origin: germline.
Comment: The p.Y264C variant (also known as c.791A>G), located in coding exon 6 of the RINT1 gene, results from an A to G substitution at nucleotide position 791. The tyrosine at codon 264 is replaced by cysteine, an amino acid with highly dissimilar properties. This amino acid position is conserved. In addition, this alteration is predicted to be tolerated by in silico analysis. Since supporting evidence is limited at this time, the clinical significance of this alteration remains unclear.

NM_021930.6(RINT1):c.791A>G (p.Tyr264Cys)

Gene: RINT1 (RAD50 interactor 1; plus strand). Cytogenetic location: 7q22.3.
Variant type: single nucleotide variant.
Coding change: c.791A>G on transcript NM_021930.6 (MANE Select); coding-DNA position 791, A replaced by G.
Protein change: p.Tyr264Cys; replaces tyrosine 264 with cysteine.
Molecular consequence: missense variant. On other transcripts: 5 prime UTR variant (2), non-coding transcript variant (1), intron variant (1).
Genome position (GRCh38, 1-based): chr7:105,547,285, A>G. VCF-style: chr7-105547285-A-G. GRCh37 (hg19) VCF-style: chr7-105187732-A-G.
Other names: c.557A>G, p.Tyr186Cys (NM_001346599.2); c.-229A>G (NM_001346600.2); c.-132A>G (NM_001346601.2); c.-27-2770A>G (NM_001346603.2); short protein forms Y186C, Y264C.
Identifiers: ClinVar variation 1761203 (VCV001761203.2), dbSNP rs2485124214, ClinGen allele CA368806388.